The following is an entry in ClinVar:

NM_000256.3(MYBPC3):c.999C>G (p.Tyr333Ter)

Gene: MYBPC3 (myosin binding protein C3; minus strand). Cytogenetic location: 11p11.2.
Variant type: single nucleotide variant.
Coding change: c.999C>G on transcript NM_000256.3 (MANE Select); coding-DNA position 999, C replaced by G.
Protein change: p.Tyr333Ter; replaces tyrosine 333 with a stop codon.
Molecular consequence: nonsense.
Genome position (GRCh38, 1-based): chr11:47,346,298, G>C on the plus strand (C>G on the coding strand, the complement: MYBPC3 is on the minus strand). VCF-style: chr11-47346298-G-C. GRCh37 (hg19) VCF-style: chr11-47367849-G-C.
Other names: short protein forms Y333*.
Identifiers: ClinVar variation 177706 (VCV000177706.25), dbSNP rs367947846, ClinGen allele CA016252.

ClinVar aggregate classification (germline): Pathogenic. Review status: criteria provided, multiple submitters, no conflicts (2 of 4 stars). 6 submissions from 6 submitters: Pathogenic (6). Last evaluated 2025-11-23.

Conditions:
Cardiomyopathy (CMYO). Also called: Cardiomyopathies. Identifiers: Orphanet 167848, MedGen C0878544, MONDO:0004994, HP:0001638. Inheritance: Various modes of inheritance.
MYBPC3-related disorder. Also called: MYBPC3-related disorders; MYBPC3-related condition; MYBPC3-related disease.
Hypertrophic cardiomyopathy. Also called: HYPERTROPHIC MYOCARDIOPATHY. Identifiers: Orphanet 217569, MedGen C0007194, MeSH D002312, MONDO:0005045, HP:0001639.
Cardiovascular phenotype. Identifiers: MedGen CN230736.

Submissions (6):

Labcorp Genetics (formerly Invitae), Labcorp
Classification: Pathogenic for Hypertrophic cardiomyopathy. Last evaluated: 2025-11-23. Review status: criteria provided, single submitter. Criteria: Invitae Variant Classification Sherloc (09022015). Collection method: clinical testing. Allele origin: germline.
Comment: This sequence change creates a premature translational stop signal (p.Tyr333*) in the MYBPC3 gene. It is expected to result in an absent or disrupted protein product. Loss-of-function variants in MYBPC3 are known to be pathogenic (PMID: 19574547). This variant is not present in population databases (gnomAD no frequency). This premature translational stop signal has been observed in individual(s) with hypertrophic cardiomyopathy (PMID: 23233322, 25351510, 25611685). ClinVar contains an entry for this variant (Variation ID: 177706). For these reasons, this variant has been classified as Pathogenic.

Ambry Genetics
Classification: Pathogenic for Cardiovascular phenotype. Last evaluated: 2024-09-17. Review status: criteria provided, single submitter. Criteria: Ambry Variant Classification Scheme 2023. Collection method: clinical testing. Allele origin: germline.
Comment: The p.Y333* pathogenic mutation (also known as c.999C>G), located in coding exon 12 of the MYBPC3 gene, results from a C to G substitution at nucleotide position 999. This changes the amino acid from a tyrosine to a stop codon within coding exon 12. This alteration has been reported in individuals with hypertrophic cardiomyopathy (HCM) (Kassem HSh et al. J Cardiovasc Transl Res, 2013 Feb;6:65-80; Lopes LR et al. Heart, 2015 Feb;101:294-301; Walsh R et al. Genet Med, 2017 Feb;19:192-203; Lorenzini M et al. J Am Coll Cardiol, 2020 Aug;76:550-559). This variant is considered to be rare based on population cohorts in the Genome Aggregation Database (gnomAD). In addition to the clinical data presented in the literature, this alteration is expected to result in loss of function by premature protein truncation or nonsense-mediated mRNA decay. As such, this alteration is interpreted as a disease-causing mutation.

GeneDx
Classification: Pathogenic. Last evaluated: 2023-04-10. Review status: criteria provided, single submitter. Criteria: GeneDx Variant Classification Process June 2021. Collection method: clinical testing. Allele origin: germline. Affected: yes.
Comment: Reported in ClinVar as a pathogenic variant (ClinVar Variant ID# 177706; ClinVar); Not observed in large population cohorts (gnomAD); Nonsense variant predicted to result in protein truncation or nonsense mediated decay in a gene for which loss of function is a known mechanism of disease; This variant is associated with the following publications: (PMID: 31006259, 25611685, 27532257)

Blueprint Genetics
Classification: Pathogenic for MYBPC3-related disorders. Last evaluated: 2022-12-16. Review status: criteria provided, single submitter. Criteria: ACMG Guidelines, 2015. Collection method: clinical testing. Allele origin: germline. Affected: yes. Observed: 2 variant alleles.

CHEO Genetics Diagnostic Laboratory, Children's Hospital of Eastern Ontario
Classification: Pathogenic for Cardiomyopathy. Last evaluated: 2022-10-28. Review status: criteria provided, single submitter. Criteria: ACMG Guidelines, 2015. Collection method: clinical testing. Allele origin: germline. Study: Canadian Open Genetics Repository.

Laboratory for Molecular Medicine, Mass General Brigham Personalized Medicine
Classification: Pathogenic for Hypertrophic cardiomyopathy. Last evaluated: 2015-10-29. Review status: criteria provided, single submitter. Criteria: LMM Criteria. Collection method: clinical testing. Allele origin: germline. Inheritance: Autosomal dominant inheritance. Observed: 4 variant alleles.
Comment: The p.Tyr333X variant in MYBPC3 has been reported in 3 individuals with HCM, seg regated with disease in 1 affected relative from 1 family (Kassem 2013, LMM unpu blished data) and was absent from large population studies. This nonsense varian t leads to a premature termination codon at position 333, which is predicted to lead to a truncated protein. Heterozygous loss of function of the MYBPC3 gene is an established disease mechanism in HCM. In summary, this variant meets our cri teria to be classified as pathogenic for HCM in an autosomal dominant manner.

Literature cited by the submitters: PubMed 19574547 (cited by Labcorp Genetics (formerly Invitae), Labcorp); PubMed 23233322 (cited by 3 submitters); PubMed 25351510 (cited by Labcorp Genetics (formerly Invitae), Labcorp and Ambry Genetics); PubMed 25611685 (cited by Labcorp Genetics (formerly Invitae), Labcorp); PubMed 27532257 (cited by Ambry Genetics); PubMed 32731933 (cited by Ambry Genetics).